The following is an entry in ClinVar:

ClinVar aggregate classification (germline): Likely benign (1 of 4 stars; one submission).

Submission:

CeGaT Center for Human Genetics Tuebingen
Classification: Likely benign. Last evaluated: 2026-06-01. Review status: criteria provided, single submitter. Criteria: CeGaT Center For Human Genetics Tuebingen Variant Classification Criteria Version 2. Collection method: clinical testing. Allele origin: germline. Affected: yes. Observed: 1 variant allele.
Comment: ITGA8: BP4, BP7

NM_003638.3(ITGA8):c.2355G>A (p.Ala785=)

Gene: ITGA8 (integrin subunit alpha 8; minus strand). Cytogenetic location: 10p13.
Variant type: single nucleotide variant.
Coding change: c.2355G>A on transcript NM_003638.3 (MANE Select); coding-DNA position 2355, G replaced by A.
Protein change: p.Ala785=; no amino-acid change (alanine 785 retained).
Molecular consequence: synonymous variant.
Genome position (GRCh38, 1-based): chr10:15,586,601, C>T on the plus strand (G>A on the coding strand, the complement: ITGA8 is on the minus strand). VCF-style: chr10-15586601-C-T. GRCh37 (hg19) VCF-style: chr10-15628600-C-T.
Other names: c.2310G>A, p.Ala770= (NM_001291494.2).
Identifiers: ClinVar variation 4873422 (VCV004873422.2).